The following is an entry in ClinVar:

ClinVar aggregate classification (germline): Uncertain significance (1 of 4 stars; one submission).

Conditions:
Familial sleep-related hypermotor epilepsy. Also called: Autosomal Dominant Sleep-Related Hypermotor (Hyperkinetic) Epilepsy. Identifiers: Orphanet 98784, MedGen C3696898, MONDO:0000030.

Allele frequency attached by ClinVar (database versions not stated): gnomAD exomes below 0.00001; gnomAD 0.00001; TOPMed below 0.00001.
gnomAD v4.1: 2 of 1,613,210 alleles (0.00012%); highest among the groups gnomAD compares: Admixed American, 0.0017%; no homozygotes.

Submission:

Labcorp Genetics (formerly Invitae), Labcorp
Classification: Uncertain significance. Last evaluated: 2023-03-08. Review status: criteria provided, single submitter. Criteria: Invitae Variant Classification Sherloc (09022015). Collection method: clinical testing. Allele origin: germline.
Comment: This sequence change replaces valine, which is neutral and non-polar, with isoleucine, which is neutral and non-polar, at codon 364 of the CHRNA4 protein (p.Val364Ile). This variant is present in population databases (no rsID available, gnomAD 0.003%). This variant has not been reported in the literature in individuals affected with CHRNA4-related conditions. Advanced modeling of protein sequence and biophysical properties (such as structural, functional, and spatial information, amino acid conservation, physicochemical variation, residue mobility, and thermodynamic stability) performed at Invitae indicates that this missense variant is not expected to disrupt CHRNA4 protein function. In summary, the available evidence is currently insufficient to determine the role of this variant in disease. Therefore, it has been classified as a Variant of Uncertain Significance.

NM_000744.7(CHRNA4):c.1090G>A (p.Val364Ile)

Gene: CHRNA4 (cholinergic receptor nicotinic alpha 4 subunit; minus strand). Cytogenetic location: 20q13.33.
Variant type: single nucleotide variant.
Coding change: c.1090G>A on transcript NM_000744.7 (MANE Select); coding-DNA position 1090, G replaced by A.
Protein change: p.Val364Ile; replaces valine 364 with isoleucine.
Molecular consequence: missense variant. On other transcripts: non-coding transcript variant (1).
Genome position (GRCh38, 1-based): chr20:63,350,321, C>T on the plus strand (G>A on the coding strand, the complement: CHRNA4 is on the minus strand). VCF-style: chr20-63350321-C-T. GRCh37 (hg19) VCF-style: chr20-61981673-C-T.
Other names: c.562G>A, p.Val188Ile (NM_001256573.2); short protein forms V188I, V364I.
Identifiers: ClinVar variation 2962967 (VCV002962967.3), dbSNP rs1390747894, ClinGen allele CA409635229.